The following is an entry in ClinVar:

NM_000038.6(APC):c.1413dup (p.Leu472fs)

Gene: APC (APC regulator of Wnt signaling pathway; plus strand). Cytogenetic location: 5q22.2.
Variant type: Duplication.
Coding change: c.1413dup on transcript NM_000038.6 (MANE Select); coding-DNA position 1413, one base duplicated (A; older notation c.1413dupA).
Protein change: p.Leu472fs; shifts the reading frame from leucine 472.
Molecular consequence: frameshift variant.
Genome position (GRCh38, 1-based): chr5:112,827,112, A duplicated. VCF-style (leftmost placement, unchanged base first): chr5-112827111-G-GA. GRCh37 (hg19) VCF-style: chr5-112162808-G-GA.
Other names: c.1413dup, p.Leu472fs (NM_001127510.3, NM_001354895.2, NM_001407450.1); c.1359dup, p.Leu454fs (NM_001127511.3); c.1467dup, p.Leu490fs (NM_001354896.2, NM_001407447.1, NM_001407448.1 and 1 more transcripts); c.1443dup, p.Leu482fs (NM_001354897.2); c.1338dup, p.Leu447fs (NM_001354898.2); c.1329dup, p.Leu444fs (NM_001354899.2); c.1290dup, p.Leu431fs (NM_001354900.2); c.1236dup, p.Leu413fs (NM_001354901.2, NM_001407453.1); and 11 more; short protein forms L189fs, L312fs, L343fs, L346fs, L371fs, L381fs, L389fs, L413fs.
Identifiers: ClinVar variation 2584087 (VCV002584087.1), dbSNP rs2533192086, ClinGen allele CA2582341320.

ClinVar aggregate classification (germline): Pathogenic (1 of 4 stars; one submission).

Conditions:
Familial adenomatous polyposis 1 (FAP1). Also called: FAMILIAL ADENOMATOUS POLYPOSIS 1, ATTENUATED; POLYPOSIS, ADENOMATOUS INTESTINAL. Identifiers: MedGen C2713442, MONDO:0021056, OMIM 175100. Disease mechanism: loss of function.

Submission:

Myriad Genetics, Inc.
Classification: Pathogenic for Familial adenomatous polyposis 1. Last evaluated: 2023-05-01. Review status: criteria provided, single submitter. Criteria: Myriad Autosomal Dominant, Autosomal Recessive and X-Linked Classification Criteria (2023). Collection method: clinical testing. Allele origin: unknown.
Comment: This variant is considered pathogenic. This variant creates a frameshift predicted to result in premature protein truncation.